The following is an entry in ClinVar:

NM_138370.3(PKDCC):c.16G>A (p.Ala6Thr)

Genes: PKDCC (protein kinase domain containing, cytoplasmic; plus strand), LOC129933563 (ATAC-STARR-seq lymphoblastoid silent region 11396; plus strand). Cytogenetic location: 2p21.
Variant type: single nucleotide variant.
Coding change: c.16G>A on transcript NM_138370.3 (MANE Select); coding-DNA position 16, G replaced by A.
Protein change: p.Ala6Thr; replaces alanine 6 with threonine.
Molecular consequence: missense variant.
Genome position (GRCh38, 1-based): chr2:42,048,215, G>A. VCF-style: chr2-42048215-G-A. GRCh37 (hg19) VCF-style: chr2-42275355-G-A.
Other names: c.16G>A (NM_138370.2); short protein forms A6T.
Identifiers: ClinVar variation 2960137 (VCV002960137.4), dbSNP rs1240260550, ClinGen allele CA346622307.

ClinVar aggregate classification (germline): Uncertain significance. Review status: criteria provided, multiple submitters, no conflicts (2 of 4 stars). 2 submissions from 2 submitters: Uncertain significance (2). Last evaluated 2026-01-26.

Conditions:
Inborn genetic diseases. Identifiers: MedGen C0950123, MeSH D030342.

Allele frequency attached by ClinVar (database versions not stated): gnomAD exomes 0.00003; gnomAD 0.00005.
gnomAD v4.1: 37 of 1,208,216 alleles (0.0031%); highest among the groups gnomAD compares: Middle Eastern, 0.034%; no homozygotes.

Submissions (2):

Labcorp Genetics (formerly Invitae), Labcorp
Classification: Uncertain significance. Last evaluated: 2026-01-26. Review status: criteria provided, single submitter. Criteria: Invitae Variant Classification Sherloc (09022015). Collection method: clinical testing. Allele origin: germline.
Comment: This sequence change replaces alanine, which is neutral and non-polar, with threonine, which is neutral and polar, at codon 6 of the PKDCC protein (p.Ala6Thr). This variant is present in population databases (no rsID available, gnomAD 0.03%). This variant has not been reported in the literature in individuals affected with PKDCC-related conditions. ClinVar contains an entry for this variant (Variation ID: 2960137). An algorithm developed to predict the effect of missense changes on protein structure and function outputs the following: PolyPhen-2: "Benign". The threonine amino acid residue is found in multiple mammalian species, which suggests that this missense change does not adversely affect protein function. In summary, the available evidence is currently insufficient to determine the role of this variant in disease. Therefore, it has been classified as a Variant of Uncertain Significance.

Ambry Genetics
Classification: Uncertain significance for Inborn genetic diseases. Last evaluated: 2024-12-05. Review status: criteria provided, single submitter. Criteria: Ambry Variant Classification Scheme 2023. Collection method: clinical testing. Allele origin: germline.